The following is an entry in ClinVar:

ClinVar aggregate classification (germline): Uncertain significance (1 of 4 stars; one submission).

gnomAD v4.1: 1 of 1,613,354 alleles (0.000062%); highest among the groups gnomAD compares: Non-Finnish European, 0.000085%; no homozygotes.

Submission:

GeneDx
Classification: Uncertain significance. Last evaluated: 2026-03-23. Review status: criteria provided, single submitter. Criteria: GeneDx Variant Classification Process June 2021. Collection method: clinical testing. Allele origin: germline.
Comment: Not observed at significant frequency in large population cohorts (gnomAD); In silico analysis suggests that this missense variant does not alter protein structure/function; This substitution is predicted to be within the C-terminal cytoplasmic domain; Has not been previously published as pathogenic or benign to our knowledge

NM_001040142.2(SCN2A):c.5846C>T (p.Thr1949Ile)

Gene: SCN2A (sodium voltage-gated channel alpha subunit 2; plus strand). Cytogenetic location: 2q24.3.
Variant type: single nucleotide variant.
Coding change: c.5846C>T on transcript NM_001040142.2 (MANE Select); coding-DNA position 5846, C replaced by T.
Protein change: p.Thr1949Ile; replaces threonine 1949 with isoleucine.
Molecular consequence: missense variant.
Genome position (GRCh38, 1-based): chr2:165,389,652, C>T. VCF-style: chr2-165389652-C-T. GRCh37 (hg19) VCF-style: chr2-166246162-C-T.
Other names: c.5846C>T, p.Thr1949Ile (NM_001371247.1, NM_021007.3, NM_001040143.2 and 1 more transcripts); short protein forms T1949I.
Identifiers: ClinVar variation 1706388 (VCV001706388.3), dbSNP rs2468160775, ClinGen allele CA349040637.
Genomic context (GRCh38, chr2:165,389,652, plus strand): 5'-CAAGTATATACAAGAAAGACAAAGGCAAAGAATGTGATGGAACACCCATCAAAGAAGATA[C>T]TCTCATTGATAAACTGAATGAGAATTCAACTCCAGAGAAAACCGATATGACGCCTTCCAC-3'
Protein context (NP_001035232.1, residues 1939-1959): ECDGTPIKED[Thr1949Ile]LIDKLNENST